The following is an entry in ClinVar:

ClinVar aggregate classification (germline): Uncertain significance (1 of 4 stars; one submission).

Conditions:
Catecholaminergic polymorphic ventricular tachycardia 1. Also called: RYR2-Related Catecholaminergic Polymorphic Ventricular Tachycardia; VENTRICULAR TACHYCARDIA, STRESS-INDUCED POLYMORPHIC 1; VENTRICULAR TACHYCARDIA, CATECHOLAMINERGIC POLYMORPHIC, 1, WITH OR WITHOUT ATRIAL DYSFUNCTION AND/OR DILATED CARDIOMYOPATHY. Identifiers: Orphanet 3286, MedGen C1631597, MONDO:0011484, OMIM 604772.

Submission:

Labcorp Genetics (formerly Invitae), Labcorp
Classification: Uncertain significance for Catecholaminergic polymorphic ventricular tachycardia 1. Last evaluated: 2021-10-10. Review status: criteria provided, single submitter. Criteria: Invitae Variant Classification Sherloc (09022015). Collection method: clinical testing. Allele origin: germline.
Comment: In summary, the available evidence is currently insufficient to determine the role of this variant in disease. Therefore, it has been classified as a Variant of Uncertain Significance. Experimental studies and prediction algorithms are not available or were not evaluated, and the functional significance of this variant is currently unknown. This variant has not been reported in the literature in individuals affected with RYR2-related conditions. This variant results in a copy number gain of the genomic region encompassing exon(s) 75-105 of the RYR2 gene. This region includes the termination codon of the gene. This copy number gain extends beyond the assayed region for this gene and therefore may encompass additional genes. As the precise location of this event is unknown, it may be in tandem or it may be located elsewhere in the genome.

NC_000001.10:g.(?_237889553)_(237995947_?)dup

Gene: RYR2 (ryanodine receptor 2; plus strand). Cytogenetic location: 1q43.
Variant type: Duplication.
Identifiers: ClinVar variation 1511197 (VCV001511197.43).